The following is an entry in ClinVar:

ClinVar aggregate classification (germline): Conflicting classifications of pathogenicity. Review status: criteria provided, conflicting classifications (1 of 4 stars). 3 submissions from 3 submitters: Uncertain significance (2); Benign (1). Last evaluated 2026-07-10.

Conditions:
Hereditary cancer-predisposing syndrome. Also called: Neoplastic Syndromes, Hereditary; Hereditary Cancer Syndrome; Tumor predisposition; Hereditary neoplastic syndrome. Identifiers: Orphanet 140162, MedGen C0027672, MeSH D009386, MONDO:0015356.
Cardiovascular phenotype. Identifiers: MedGen CN230736.
Neurofibromatosis, type 1 (NF1). Also called: Peripheral type neurofibromatosis; VON RECKLINGHAUSEN DISEASE; Neurofibromatosis, type I; NEUROFIBROMATOSIS, TYPE I, SOMATIC. Identifiers: Orphanet 636, MedGen C0027831, MONDO:0018975, OMIM 162200. Disease mechanism: loss of function.

Allele frequency attached by ClinVar (database versions not stated): gnomAD exomes below 0.00001.
gnomAD v4.1: 3 of 1,614,176 alleles (0.00019%); highest among the groups gnomAD compares: Non-Finnish European, 0.00025%; no homozygotes.

Submissions (3):

Ambry Genetics
Classification: Uncertain significance for Cardiovascular phenotype; Hereditary cancer-predisposing syndrome. Last evaluated: 2026-07-10. Review status: criteria provided, single submitter. Criteria: Ambry Variant Classification Scheme 2023. Collection method: clinical testing. Allele origin: germline.
Comment: The p.I2329L variant (also known as c.6985A>C), located in coding exon 46 of the NF1 gene, results from an A to C substitution at nucleotide position 6985. The isoleucine at codon 2329 is replaced by leucine, an amino acid with highly similar properties. This amino acid position is not well conserved in available vertebrate species. In addition, this alteration is predicted to be tolerated by in silico analysis. Based on the available evidence, the clinical significance of this variant remains unclear.

Labcorp Genetics (formerly Invitae), Labcorp
Classification: Benign for Neurofibromatosis, type 1. Last evaluated: 2026-01-05. Review status: criteria provided, single submitter. Criteria: Invitae Variant Classification Sherloc (09022015). Collection method: clinical testing. Allele origin: germline.

GeneDx
Classification: Uncertain significance. Last evaluated: 2022-03-09. Review status: criteria provided, single submitter. Criteria: GeneDx Variant Classification Process June 2021. Collection method: clinical testing. Allele origin: germline. Affected: yes.
Comment: In silico analysis supports that this missense variant does not alter protein structure/function; Has not been previously published as pathogenic or benign to our knowledge; This variant is associated with the following publications: (PMID: 25486365)

NM_001042492.3(NF1):c.7048A>C (p.Ile2350Leu)

Gene: NF1 (neurofibromin 1; plus strand). Cytogenetic location: 17q11.2.
Variant type: single nucleotide variant.
Coding change: c.7048A>C on transcript NM_001042492.3 (MANE Select); coding-DNA position 7048, A replaced by C.
Protein change: p.Ile2350Leu; replaces isoleucine 2350 with leucine.
Molecular consequence: missense variant.
Genome position (GRCh38, 1-based): chr17:31,340,631, A>C. VCF-style: chr17-31340631-A-C. GRCh37 (hg19) VCF-style: chr17-29667649-A-C.
Other names: c.6985A>C, p.Ile2329Leu (NM_000267.4); short protein forms I2329L, I2350L.
Identifiers: ClinVar variation 943671 (VCV000943671.11), dbSNP rs1381254564, ClinGen allele CA399015199.